The following is an entry in ClinVar:

NM_000550.3(TYRP1):c.1012G>A (p.Glu338Lys)

Genes: LURAP1L-AS1 (LURAP1L antisense RNA 1; minus strand), TYRP1 (tyrosinase related protein 1; plus strand). Cytogenetic location: 9p23.
Variant type: single nucleotide variant.
Coding change: c.1012G>A on transcript NM_000550.3 (MANE Select); coding-DNA position 1012, G replaced by A.
Protein change: p.Glu338Lys; replaces glutamic acid 338 with lysine.
Molecular consequence: missense variant.
Genome position (GRCh38, 1-based): chr9:12,702,369, G>A. VCF-style: chr9-12702369-G-A. GRCh37 (hg19) VCF-style: chr9-12702369-G-A.
Other names: short protein forms E338K.
Identifiers: ClinVar variation 3895899 (VCV003895899.1).

ClinVar aggregate classification (germline): Uncertain significance (1 of 4 stars; one submission).

Submission:

Women's Health and Genetics/Laboratory Corporation of America, LabCorp
Classification: Uncertain significance. Last evaluated: 2025-03-27. Review status: criteria provided, single submitter. Criteria: LabCorp Variant Classification Summary - May 2015. Collection method: clinical testing. Allele origin: germline.
Comment: Variant summary: TYRP1 c.1012G>A (p.Glu338Lys) results in a conservative amino acid change in the encoded protein sequence. Three of five in-silico tools predict a damaging effect of the variant on protein function. The variant was absent in 250832 control chromosomes. The available data on variant occurrences in the general population are insufficient to allow any conclusion about variant significance (gnomAD). c.1012G>A has been reported in the literature in one individual affected with cutaneous melanoma (Nathan_2019). The report does not provide unequivocal conclusions about association of the variant with Oculocutaneous albinism type 3. To our knowledge, no experimental evidence demonstrating an impact on protein function has been reported. The following publication have been ascertained in the context of this evaluation (PMID: 31233279). No submitters have cited clinical-significance assessments for this variant to ClinVar. Based on the evidence outlined above, the variant was classified as uncertain significance.

Literature cited by the submitters: PubMed 31233279.